The following is an entry in ClinVar:

ClinVar aggregate classification (germline): Likely benign (0 of 4 stars; one submission).

Conditions:
KIDINS220-related disorder. Also called: KIDINS220-related condition.

Allele frequency attached by ClinVar (database versions not stated): gnomAD exomes below 0.00001; TOPMed 0.00001.
gnomAD v4.1: 3 of 1,614,062 alleles (0.00019%); highest among the groups gnomAD compares: Non-Finnish European, 0.00025%; no homozygotes.

Submission:

PreventionGenetics, part of Exact Sciences
Classification: Likely benign for KIDINS220-related condition. Last evaluated: 2023-10-04. Review status: no assertion criteria provided. Collection method: clinical testing. Allele origin: germline.
Comment: This variant is classified as likely benign based on ACMG/AMP sequence variant interpretation guidelines (Richards et al. 2015 PMID: 25741868, with internal and published modifications).

NM_020738.4(KIDINS220):c.3570C>T (p.Pro1190=)

Gene: KIDINS220 (kinase D interacting substrate 220; minus strand). Cytogenetic location: 2p25.1.
Variant type: single nucleotide variant.
Coding change: c.3570C>T on transcript NM_020738.4 (MANE Select); coding-DNA position 3570, C replaced by T.
Protein change: p.Pro1190=; no amino-acid change (proline 1190 retained).
Molecular consequence: synonymous variant. On other transcripts: non-coding transcript variant (1), intron variant (11).
Genome position (GRCh38, 1-based): chr2:8,747,160, G>A on the plus strand (C>T on the coding strand, the complement: KIDINS220 is on the minus strand). VCF-style: chr2-8747160-G-A. GRCh37 (hg19) VCF-style: chr2-8887290-G-A.
Other names: c.3573C>T, p.Pro1191= (NM_001348729.2); c.3414+2952C>T (NM_001348741.2, NM_001348742.2, NM_001348743.2 and 1 more transcripts); c.3528+727C>T (NM_001348738.2, NM_001348732.2); c.3417+2952C>T (NM_001348739.2, NM_001348740.2, NM_001348734.2); c.3531+727C>T (NM_001348731.2); c.3288+2952C>T (NM_001348736.2).
Identifiers: ClinVar variation 3033676 (VCV003033676.2), dbSNP rs1666697386, ClinGen allele CA424777678.